The following is an entry in ClinVar:

NM_020937.4(FANCM):c.4184G>A (p.Gly1395Asp)

Gene: FANCM (FA complementation group M; plus strand). Cytogenetic location: 14q21.2.
Variant type: single nucleotide variant.
Coding change: c.4184G>A on transcript NM_020937.4 (MANE Select); coding-DNA position 4184, G replaced by A.
Protein change: p.Gly1395Asp; replaces glycine 1395 with aspartic acid.
Molecular consequence: missense variant.
Genome position (GRCh38, 1-based): chr14:45,176,938, G>A. VCF-style: chr14-45176938-G-A. GRCh37 (hg19) VCF-style: chr14-45646141-G-A.
Other names: c.4106G>A, p.Gly1369Asp (NM_001308133.2); short protein forms G1369D, G1395D.
Identifiers: ClinVar variation 4022727 (VCV004022727.1).
Genomic context (GRCh38, chr14:45,176,938, plus strand): 5'-AAGCATTGAATTCAACTTTTGATTATTCAGAATTTTCTCTAGAAAAGTCTAAAAGCAGTG[G>A]TCCAATGTATCTGCATAAATCCTGTCATTCTGTTGAAGGTAAGATTCCATCTTTATAAAG-3'
Protein context (NP_065988.1, residues 1385-1405): EFSLEKSKSS[Gly1395Asp]PMYLHKSCHS

ClinVar aggregate classification (germline): Uncertain significance (1 of 4 stars; one submission).

Conditions:
Inborn genetic diseases. Identifiers: MedGen C0950123, MeSH D030342.

Submission:

Ambry Genetics
Classification: Uncertain significance for Inborn genetic diseases. Last evaluated: 2025-04-25. Review status: criteria provided, single submitter. Criteria: Ambry Variant Classification Scheme 2023. Collection method: clinical testing. Allele origin: germline.
Comment: The p.G1395D variant (also known as c.4184G>A), located in coding exon 14 of the FANCM gene, results from a G to A substitution at nucleotide position 4184. The glycine at codon 1395 is replaced by aspartic acid, an amino acid with similar properties. This amino acid position is conserved. In addition, this alteration is predicted to be tolerated by in silico analysis. Based on the available evidence, the clinical significance of this variant remains unclear.